The following is an entry in ClinVar:

NM_004174.4(SLC9A3):c.1811G>A (p.Arg604Gln)

Genes: SLC9A3 (solute carrier family 9 member A3), SLC9A3-AS1 (SLC9A3 antisense RNA 1; plus strand). Cytogenetic location: 5p15.33.
Variant type: single nucleotide variant.
Coding change: c.1811G>A on transcript NM_004174.4 (MANE Select); coding-DNA position 1811, G replaced by A.
Protein change: p.Arg604Gln; replaces arginine 604 with glutamine.
Molecular consequence: missense variant.
Genome position (GRCh38, 1-based): chr5:476,622, C>T on the plus strand (G>A on the coding strand, the complement: SLC9A3 is on the minus strand). VCF-style: chr5-476622-C-T. GRCh37 (hg19) VCF-style: chr5-476737-C-T.
Other names: c.1784G>A, p.Arg595Gln (NM_001284351.3); c.1811G>A (NM_004174.3); short protein forms R595Q, R604Q.
Identifiers: ClinVar variation 1166328 (VCV001166328.12), dbSNP rs115689317, ClinGen allele CA3175702.

ClinVar aggregate classification (germline): Benign/Likely benign. Review status: criteria provided, multiple submitters, no conflicts (2 of 4 stars). 3 submissions from 3 submitters: Benign (1); Likely benign (1). 1 of the submissions does not count toward it. Last evaluated 2025-12-14.

Conditions:
SLC9A3-related disorder. Also called: SLC9A3-related condition.

Allele frequency attached by ClinVar (database versions not stated): TOPMed 0.00047; ESP Exome Variant Server 0.00054; 1000 Genomes Project 30x 0.00078; 1000 Genomes Project 0.00080; ExAC 0.00152; gnomAD 0.00153 and 0.00158; gnomAD exomes 0.00157.
gnomAD v4.1: 1,910 of 1,609,402 alleles (0.12%); highest among the groups gnomAD compares: South Asian, 0.22%; 5 homozygotes.

Submissions (3):

Labcorp Genetics (formerly Invitae), Labcorp
Classification: Benign. Last evaluated: 2025-12-14. Review status: criteria provided, single submitter. Criteria: Invitae Variant Classification Sherloc (09022015). Collection method: clinical testing. Allele origin: germline.

Blueprint Genetics
Classification: Likely benign. Last evaluated: 2024-11-22. Review status: criteria provided, single submitter. Criteria: ACMG Guidelines, 2015. Collection method: clinical testing. Allele origin: germline.

PreventionGenetics, part of Exact Sciences
Classification: Benign for SLC9A3-related condition. Last evaluated: 2019-11-25. Review status: no assertion criteria provided. Collection method: clinical testing. Allele origin: germline. Not counted in ClinVar's aggregate classification.
Comment: This variant is classified as benign based on ACMG/AMP sequence variant interpretation guidelines (Richards et al. 2015 PMID: 25741868, with internal and published modifications).